The following is an entry in ClinVar:

ClinVar aggregate classification (germline): Uncertain significance (1 of 4 stars; one submission).

Conditions:
Hereditary cancer-predisposing syndrome. Also called: Hereditary neoplastic syndrome; Neoplastic Syndromes, Hereditary; Tumor predisposition; Hereditary Cancer Syndrome. Identifiers: Orphanet 140162, MedGen C0027672, MeSH D009386, MONDO:0015356.

Submission:

Ambry Genetics
Classification: Uncertain significance for Hereditary cancer-predisposing syndrome. Last evaluated: 2025-02-03. Review status: criteria provided, single submitter. Criteria: Ambry Variant Classification Scheme 2023. Collection method: clinical testing. Allele origin: germline.
Comment: The p.W526C variant (also known as c.1578G>T), located in coding exon 11 of the CDH1 gene, results from a G to T substitution at nucleotide position 1578. The tryptophan at codon 526 is replaced by cysteine, an amino acid with highly dissimilar properties. This amino acid position is conserved. In addition, this alteration is predicted to be tolerated by in silico analysis. Based on the available evidence, the clinical significance of this variant remains unclear.

NM_004360.5(CDH1):c.1578G>T (p.Trp526Cys)

Gene: CDH1 (cadherin 1; plus strand). Cytogenetic location: 16q22.1.
Variant type: single nucleotide variant.
Coding change: c.1578G>T on transcript NM_004360.5 (MANE Select); coding-DNA position 1578, G replaced by T.
Protein change: p.Trp526Cys; replaces tryptophan 526 with cysteine.
Molecular consequence: missense variant. On other transcripts: intron variant (1).
Genome position (GRCh38, 1-based): chr16:68,819,292, G>T. VCF-style: chr16-68819292-G-T. GRCh37 (hg19) VCF-style: chr16-68853195-G-T.
Other names: c.1395G>T, p.Trp465Cys (NM_001317184.2); c.30G>T, p.Trp10Cys (NM_001317185.2); c.-254-2709G>T (NM_001317186.2); short protein forms W10C, W526C, W465C.
Identifiers: ClinVar variation 3829991 (VCV003829991.1).